The following is an entry in ClinVar:

ClinVar aggregate classification (germline): Uncertain significance. Review status: criteria provided, multiple submitters, no conflicts (2 of 4 stars). 2 submissions from 2 submitters: Uncertain significance (2). Last evaluated 2026-01-05.

Conditions:
Inborn genetic diseases. Identifiers: MedGen C0950123, MeSH D030342.

Allele frequency attached by ClinVar (database versions not stated): ExAC 0.00003; ESP Exome Variant Server 0.00015; gnomAD 0.00003.
gnomAD v4.1: 11 of 1,613,600 alleles (0.00068%); highest among the groups gnomAD compares: Middle Eastern, 0.016%; no homozygotes.

Submissions (2):

Labcorp Genetics (formerly Invitae), Labcorp
Classification: Uncertain significance. Last evaluated: 2026-01-05. Review status: criteria provided, single submitter. Criteria: Invitae Variant Classification Sherloc (09022015). Collection method: clinical testing. Allele origin: germline.
Comment: This sequence change replaces arginine, which is basic and polar, with cysteine, which is neutral and slightly polar, at codon 2034 of the DCHS1 protein (p.Arg2034Cys). This variant is present in population databases (rs368931265, gnomAD 0.01%). This variant has not been reported in the literature in individuals affected with DCHS1-related conditions. ClinVar contains an entry for this variant (Variation ID: 2733076). Invitae Evidence Modeling of protein sequence and biophysical properties (such as structural, functional, and spatial information, amino acid conservation, physicochemical variation, residue mobility, and thermodynamic stability) indicates that this missense variant is not expected to disrupt DCHS1 protein function with a negative predictive value of 80%. In summary, the available evidence is currently insufficient to determine the role of this variant in disease. Therefore, it has been classified as a Variant of Uncertain Significance.

Ambry Genetics
Classification: Uncertain significance for Inborn genetic diseases. Last evaluated: 2025-01-09. Review status: criteria provided, single submitter. Criteria: Ambry Variant Classification Scheme 2023. Collection method: clinical testing. Allele origin: germline.

NM_003737.4(DCHS1):c.6100C>T (p.Arg2034Cys)

Gene: DCHS1 (dachsous cadherin-related 1; minus strand). Cytogenetic location: 11p15.4.
Variant type: single nucleotide variant.
Coding change: c.6100C>T on transcript NM_003737.4 (MANE Select); coding-DNA position 6100, C replaced by T.
Protein change: p.Arg2034Cys; replaces arginine 2034 with cysteine.
Molecular consequence: missense variant.
Genome position (GRCh38, 1-based): chr11:6,626,939, G>A on the plus strand (C>T on the coding strand, the complement: DCHS1 is on the minus strand). VCF-style: chr11-6626939-G-A. GRCh37 (hg19) VCF-style: chr11-6648170-G-A.
Other names: c.6100C>T (NM_003737.2); short protein forms R2034C.
Identifiers: ClinVar variation 2733076 (VCV002733076.4), dbSNP rs368931265, ClinGen allele CA5859955.
Genomic context (GRCh38, chr11:6,626,939, plus strand): 5'-TCACACCAGTGGCAGAGCGAGCTGGACGGCCAAGATCAGTGGCCACAATGAAGAGGACAC[G>A]ATCTCGGGGGCCTAGAGCTACAGGAGAGCGGGCCACGCGGATTTCACCAGTGTAAGAGTC-3'
Protein context (NP_003728.1, residues 2024-2044): RSPVALGPRD[Arg2034Cys]VLFIVATDLG